The following is an entry in ClinVar:

NM_013432.5(TONSL):c.4027C>T (p.Arg1343Cys)

Gene: TONSL (tonsoku like, DNA repair protein; minus strand). Cytogenetic location: 8q24.3.
Variant type: single nucleotide variant.
Coding change: c.4027C>T on transcript NM_013432.5 (MANE Select); coding-DNA position 4027, C replaced by T.
Protein change: p.Arg1343Cys; replaces arginine 1343 with cysteine.
Molecular consequence: missense variant.
Genome position (GRCh38, 1-based): chr8:144,429,253, G>A on the plus strand (C>T on the coding strand, the complement: TONSL is on the minus strand). VCF-style: chr8-144429253-G-A. GRCh37 (hg19) VCF-style: chr8-145654636-G-A.
Other names: short protein forms R1343C.
Identifiers: ClinVar variation 2146497 (VCV002146497.3), dbSNP rs781883241, ClinGen allele CA4942316.

ClinVar aggregate classification (germline): Uncertain significance (1 of 4 stars; one submission).

Allele frequency attached by ClinVar (database versions not stated): TOPMed below 0.00001; gnomAD 0.00001; ExAC 0.00016.

Submission:

Labcorp Genetics (formerly Invitae), Labcorp
Classification: Uncertain significance. Last evaluated: 2025-04-02. Review status: criteria provided, single submitter. Criteria: Invitae Variant Classification Sherloc (09022015). Collection method: clinical testing. Allele origin: germline.
Comment: This sequence change replaces arginine, which is basic and polar, with cysteine, which is neutral and slightly polar, at codon 1343 of the TONSL protein (p.Arg1343Cys). This variant is present in population databases (rs781883241, gnomAD 0.03%). This variant has not been reported in the literature in individuals affected with TONSL-related conditions. ClinVar contains an entry for this variant (Variation ID: 2146497). Invitae Evidence Modeling of protein sequence and biophysical properties (such as structural, functional, and spatial information, amino acid conservation, physicochemical variation, residue mobility, and thermodynamic stability) indicates that this missense variant is not expected to disrupt TONSL protein function with a negative predictive value of 80%. In summary, the available evidence is currently insufficient to determine the role of this variant in disease. Therefore, it has been classified as a Variant of Uncertain Significance.